The following is an entry in ClinVar:

NM_000455.5(STK11):c.-6T>A

Gene: STK11 (serine/threonine kinase 11; plus strand). Cytogenetic location: 19p13.3.
Variant type: single nucleotide variant.
Coding change: c.-6T>A on transcript NM_000455.5 (MANE Select); 6 bases upstream of the start codon, T replaced by A.
Molecular consequence: 5 prime UTR variant.
Genome position (GRCh38, 1-based): chr19:1,206,908, T>A. VCF-style: chr19-1206908-T-A. GRCh37 (hg19) VCF-style: chr19-1206907-T-A.
Identifiers: ClinVar variation 926194 (VCV000926194.3), dbSNP rs2080669573, ClinGen allele CA1139666177.

ClinVar aggregate classification (germline): Uncertain significance (1 of 4 stars; one submission).

Conditions:
Hereditary cancer-predisposing syndrome. Also called: Neoplastic Syndromes, Hereditary; Tumor predisposition; Hereditary Cancer Syndrome; Hereditary neoplastic syndrome. Identifiers: Orphanet 140162, MedGen C0027672, MeSH D009386, MONDO:0015356.

Allele frequency attached by ClinVar (database versions not stated): gnomAD exomes below 0.00001.
gnomAD v4.1: 2 of 1,568,936 alleles (0.00013%); highest among the groups gnomAD compares: Non-Finnish European, 0.00017%; no homozygotes.

Submission:

Color Diagnostics, LLC DBA Color Health
Classification: Uncertain significance for Hereditary cancer-predisposing syndrome. Last evaluated: 2020-03-09. Review status: criteria provided, single submitter. Criteria: ACMG Guidelines, 2015. Collection method: clinical testing. Allele origin: germline.
Comment: This variant causes a T to A nucleotide substitution at c.-6 position in the 5' untranslated region of the STK11 gene. To our knowledge, functional studies have not been reported for this variant. This variant has not been reported in individuals affected with hereditary cancer in the literature. This variant has not been identified in the general population by the Genome Aggregation Database (gnomAD). The available evidence is insufficient to determine the role of this variant in disease conclusively. Therefore, this variant is classified as a Variant of Uncertain Significance.